The following is an entry in ClinVar:

ClinVar aggregate classification (germline): Likely pathogenic. Review status: criteria provided, multiple submitters, no conflicts (2 of 4 stars). 2 submissions from 2 submitters: Likely pathogenic (2). Last evaluated 2026-03-02.

Conditions:
Neurodevelopmental disorder. Identifiers: MedGen C1535926, MeSH D065886, MONDO:0700092.
X-linked intellectual disability, Cantagrel type (XLID98). Also called: INTELLECTUAL DEVELOPMENTAL DISORDER, X-LINKED 98. Identifiers: Orphanet 85277, MedGen C3806730, MONDO:0010483, OMIM 300912.

Submissions (2):

Broad Center for Mendelian Genomics, Broad Institute of MIT and Harvard
Classification: Likely pathogenic for X-linked intellectual disability, Cantagrel type. Last evaluated: 2026-03-02. Review status: criteria provided, single submitter. Criteria: ACMG Guidelines, 2015. Collection method: research. Allele origin: germline. Inheritance: X-linked inheritance.
Comment: The hemizygous p.Lys591Ter variant in NEXMIF was identified in 1 individual with features of X-linked intellectual developmental disorder-98 via a collaborative study between the Broad Institute's Center for Mendelian Genomics and the NeuroDev Study. The p.Lys591Ter variant in NEXMIF has not been previously reported in the literature in individuals with X-linked intellectual developmental disorder-98 and was absent from large population studies. This nonsense variant leads to a premature termination codon at position 591, which is predicted to lead to a truncated or absent protein. Heterozygous loss of function of the NEXMIF gene is an established disease mechanism in X-linked intellectual developmental disorder-98. In summary, although additional studies are required to fully establish its clinical significance, this variant is likely pathogenic for X-linked intellectual developmental disorder-98. ACMG/AMP Criteria applied: PVS1, PM2_supporting (Richards 2015).

Laboratory for Molecular Medicine, Mass General Brigham Personalized Medicine
Classification: Likely pathogenic for Neurodevelopmental disorder. Last evaluated: 2023-08-28. Review status: criteria provided, single submitter. Criteria: ACMG Guidelines, 2015. Collection method: clinical testing. Allele origin: germline.
Comment: The p.Lys591X variant in NEXMIF has not been previously reported in affected individuals and was absent from large population studies. This nonsense variant leads to a premature termination codon at position 591, which is predicted to lead to a truncated or absent protein. Loss of function of the NEXMIF gene is an established disease mechanism in X-linked complex neurodevelopmental disorder. In summary, although additional studies are required to fully establish its clinical significance, this variant meets criteria to be classified as likely pathogenic. ACMG/AMP Criteria applied: PVS1, PM2_Supporting.

NM_001008537.3(NEXMIF):c.1771A>T (p.Lys591Ter)

Gene: NEXMIF (neurite extension and migration factor; minus strand). Cytogenetic location: Xq13.3.
Variant type: single nucleotide variant.
Coding change: c.1771A>T on transcript NM_001008537.3 (MANE Select); coding-DNA position 1771, A replaced by T.
Protein change: p.Lys591Ter; replaces lysine 591 with a stop codon.
Molecular consequence: nonsense.
Genome position (GRCh38, 1-based): chrX:74,742,786, T>A on the plus strand (A>T on the coding strand, the complement: NEXMIF is on the minus strand). VCF-style: chrX-74742786-T-A. GRCh37 (hg19) VCF-style: chrX-73962621-T-A.
Other names: NM_001008537.3:c.1771A>T; short protein forms K591*.
Identifiers: ClinVar variation 3075952 (VCV003075952.2), dbSNP rs2519914975, ClinGen allele CA413669730.